The following is an entry in ClinVar:

NM_017654.4(SAMD9):c.1526A>C (p.Asp509Ala)

Gene: SAMD9 (sterile alpha motif domain containing 9; minus strand). Cytogenetic location: 7q21.2.
Variant type: single nucleotide variant.
Coding change: c.1526A>C on transcript NM_017654.4 (MANE Select); coding-DNA position 1526, A replaced by C.
Protein change: p.Asp509Ala; replaces aspartic acid 509 with alanine.
Molecular consequence: missense variant.
Genome position (GRCh38, 1-based): chr7:93,104,572, T>G on the plus strand (A>C on the coding strand, the complement: SAMD9 is on the minus strand). VCF-style: chr7-93104572-T-G. GRCh37 (hg19) VCF-style: chr7-92733885-T-G.
Other names: c.1526A>C, p.Asp509Ala (NM_001193307.2); short protein forms D509A.
Identifiers: ClinVar variation 5028733 (VCV005028733.1).

ClinVar aggregate classification (germline): Uncertain significance (1 of 4 stars; one submission).

Conditions:
Inborn genetic diseases. Identifiers: MedGen C0950123, MeSH D030342.

Submission:

Ambry Genetics
Classification: Uncertain significance for Inborn genetic diseases. Last evaluated: 2026-06-20. Review status: criteria provided, single submitter. Criteria: Ambry Variant Classification Scheme 2023. Collection method: clinical testing. Allele origin: germline.
Comment: The p.D509A variant (also known as c.1526A>C), located in coding exon 1 of the SAMD9 gene, results from an A to C substitution at nucleotide position 1526. The aspartic acid at codon 509 is replaced by alanine, an amino acid with dissimilar properties. This amino acid position is conserved. In addition, this alteration is predicted to be tolerated by in silico analysis. Based on the available evidence, the clinical significance of this variant remains unclear.